The following is an entry in ClinVar:

NM_000090.4(COL3A1):c.583-6C>A

Gene: COL3A1 (collagen type III alpha 1 chain; plus strand). Cytogenetic location: 2q32.2.
Variant type: single nucleotide variant.
Coding change: c.583-6C>A on transcript NM_000090.4 (MANE Select); 6 bases into the intron before coding-DNA position 583, C replaced by A.
Molecular consequence: intron variant.
Genome position (GRCh38, 1-based): chr2:188,988,584, C>A. VCF-style: chr2-188988584-C-A. GRCh37 (hg19) VCF-style: chr2-189853310-C-A.
Identifiers: ClinVar variation 3071620 (VCV003071620.1), dbSNP rs2469114435, ClinGen allele CA2662286493.

ClinVar aggregate classification (germline): Uncertain significance (1 of 4 stars; one submission).

Conditions:
Ehlers-Danlos syndrome, type 4 (EDSVASC). Also called: Ehlers-Danlos Syndrome Type IV; Ehlers-Danlos syndrome vascular type; Ehlers Danlos syndrome, ecchymotic type; Ehlers Danlos syndrome, arterial type; Ehlers Danlos syndrome, Sack-Barabas type. Identifiers: Orphanet 286, MedGen C0268338, MONDO:0017314, OMIM 130050.

Submission:

All of Us Research Program, National Institutes of Health
Classification: Uncertain significance for Ehlers-Danlos syndrome, type 4. Last evaluated: 2023-06-08. Review status: criteria provided, single submitter. Criteria: ACMG Guidelines, 2015. Collection method: clinical testing. Allele origin: germline. Inheritance: Autosomal dominant inheritance. Observed: 1 variant allele, 1 heterozygote.
Comment: This variant causes a C to A nucleotide substitution at the -6 position of intron 6 of the COL3A1 gene. To our knowledge, functional studies have not been reported for this variant. This variant has not been reported in individuals affected with COL3A1-related disorders in the literature. This variant has not been identified in the general population by the Genome Aggregation Database (gnomAD). The available evidence is insufficient to determine the role of this variant in disease conclusively. Therefore, this variant is classified as a Variant of Uncertain Significance.

This study involves interpretation of variants in research participants for the purpose of population health screening. Participant phenotype was not available at the time of variant classification. Additional details can be found in publication PMID: 35346344, PMCID: PMC8962531